The following is an entry in ClinVar:

NM_000051.4(ATM):c.3491G>C (p.Cys1164Ser)

Gene: ATM (ATM serine/threonine kinase; plus strand). Cytogenetic location: 11q22.3.
Variant type: single nucleotide variant.
Coding change: c.3491G>C on transcript NM_000051.4 (MANE Select); coding-DNA position 3491, G replaced by C.
Protein change: p.Cys1164Ser; replaces cysteine 1164 with serine.
Molecular consequence: missense variant.
Genome position (GRCh38, 1-based): chr11:108,281,083, G>C. VCF-style: chr11-108281083-G-C. GRCh37 (hg19) VCF-style: chr11-108151810-G-C.
Other names: c.3491G>C, p.Cys1164Ser (NM_001351834.2); short protein forms C1164S.
Identifiers: ClinVar variation 1731942 (VCV001731942.2), dbSNP rs2082208412, ClinGen allele CA382519641.
Genomic context (GRCh38, chr11:108,281,083, plus strand): 5'-TGGATGAAATTTATAATAGAAAATCTGTTTTACTGACGTTGATAGCTGTGGTTTTATCCT[G>C]TAGCCCTATCTGCGAAAAACAGGCTTTGTTTGCCCTGTGTAAATCTGTGAAAGAGAATGG-3'
Protein context (NP_000042.3, residues 1154-1174): LLTLIAVVLS[Cys1164Ser]SPICEKQALF

ClinVar aggregate classification (germline): Uncertain significance (1 of 4 stars; one submission).

Conditions:
Hereditary cancer-predisposing syndrome. Also called: Neoplastic Syndromes, Hereditary; Tumor predisposition; Hereditary Cancer Syndrome; Hereditary neoplastic syndrome. Identifiers: Orphanet 140162, MedGen C0027672, MeSH D009386, MONDO:0015356.

Allele frequency attached by ClinVar (database versions not stated): TOPMed below 0.00001.

Submission:

Ambry Genetics
Classification: Uncertain significance for Hereditary cancer-predisposing syndrome. Last evaluated: 2022-09-17. Review status: criteria provided, single submitter. Criteria: Ambry Variant Classification Scheme 2023. Collection method: clinical testing. Allele origin: germline.
Comment: The p.C1164S variant (also known as c.3491G>C), located in coding exon 23 of the ATM gene, results from a G to C substitution at nucleotide position 3491. The cysteine at codon 1164 is replaced by serine, an amino acid with dissimilar properties. This amino acid position is conserved. In addition, this alteration is predicted to be tolerated by in silico analysis. Since supporting evidence is limited at this time, the clinical significance of this alteration remains unclear.